The following is an entry in ClinVar:

ClinVar aggregate classification (germline): Uncertain significance (1 of 4 stars; one submission).

Conditions:
Dyskeratosis congenita, autosomal dominant 2. Identifiers: MedGen C3151443, MONDO:0013521, OMIM 613989.
Idiopathic Pulmonary Fibrosis. Also called: Idiopathic fibrosing alveolitis, chronic form; idiopathic fibrosing alveolitis. Identifiers: Orphanet 2032, MedGen C1800706, MeSH D054990, MONDO:0800504.

Submission:

Labcorp Genetics (formerly Invitae), Labcorp
Classification: Uncertain significance for Dyskeratosis congenita, autosomal dominant 2; Idiopathic Pulmonary Fibrosis. Last evaluated: 2021-12-04. Review status: criteria provided, single submitter. Criteria: Invitae Variant Classification Sherloc (09022015). Collection method: clinical testing. Allele origin: germline.
Comment: In summary, the available evidence is currently insufficient to determine the role of this variant in disease. Therefore, it has been classified as a Variant of Uncertain Significance. This variant has not been reported in the literature in individuals affected with TERT-related conditions. This variant is not present in population databases (gnomAD no frequency). This variant occurs in a non-coding region of the TERT gene. It does not change the encoded amino acid sequence of the TERT protein.

NM_198253.3(TERT):c.-57A>G

Genes: TERT (telomerase reverse transcriptase; minus strand), LOC110806263 (TERT 5' regulatory region; plus strand). Cytogenetic location: 5p15.33.
Variant type: single nucleotide variant.
Coding change: c.-57A>G on transcript NM_198253.3 (MANE Select); 57 bases upstream of the start codon, A replaced by G.
Molecular consequence: 5 prime UTR variant. On other transcripts: non-coding transcript variant (2).
Genome position (GRCh38, 1-based): chr5:1,295,046, T>C on the plus strand (A>G on the coding strand, the complement: TERT is on the minus strand). VCF-style: chr5-1295046-T-C. GRCh37 (hg19) VCF-style: chr5-1295161-T-C.
Other names: c.-57A>G (NM_001193376.3).
Identifiers: ClinVar variation 1345308 (VCV001345308.6), dbSNP rs878855297, ClinGen allele CA803699440.